The following is an entry in ClinVar:

ClinVar aggregate classification (germline): Uncertain significance. Review status: criteria provided, multiple submitters, no conflicts (2 of 4 stars). 2 submissions from 2 submitters: Uncertain significance (2). Last evaluated 2025-04-06.

Conditions:
Hereditary cancer-predisposing syndrome. Also called: Neoplastic Syndromes, Hereditary; Hereditary Cancer Syndrome; Hereditary neoplastic syndrome; Tumor predisposition. Identifiers: Orphanet 140162, MedGen C0027672, MeSH D009386, MONDO:0015356.
Bloom syndrome (BLM). Also called: Bloom-Torre-Machacek syndrome. Identifiers: Orphanet 125, MedGen C0005859, MONDO:0008876, OMIM 210900.

Submissions (2):

Ambry Genetics
Classification: Uncertain significance for Hereditary cancer-predisposing syndrome. Last evaluated: 2025-04-06. Review status: criteria provided, single submitter. Criteria: Ambry Variant Classification Scheme 2023. Collection method: clinical testing. Allele origin: germline.
Comment: The p.A55G variant (also known as c.164C>G), located in coding exon 2 of the BLM gene, results from a C to G substitution at nucleotide position 164. The alanine at codon 55 is replaced by glycine, an amino acid with similar properties. This amino acid position is conserved. In addition, this alteration is predicted to be tolerated by in silico analysis. Based on the available evidence, the clinical significance of this variant remains unclear.

Labcorp Genetics (formerly Invitae), Labcorp
Classification: Uncertain significance for Bloom syndrome. Last evaluated: 2021-08-20. Review status: criteria provided, single submitter. Criteria: Invitae Variant Classification Sherloc (09022015). Collection method: clinical testing. Allele origin: germline.
Comment: This sequence change replaces alanine with glycine at codon 55 of the BLM protein (p.Ala55Gly). The alanine residue is weakly conserved and there is a small physicochemical difference between alanine and glycine. This variant is not present in population databases (ExAC no frequency). This variant has not been reported in the literature in individuals affected with BLM-related conditions. Algorithms developed to predict the effect of missense changes on protein structure and function (SIFT, PolyPhen-2, Align-GVGD) all suggest that this variant is likely to be tolerated. In summary, the available evidence is currently insufficient to determine the role of this variant in disease. Therefore, it has been classified as a Variant of Uncertain Significance.

NM_000057.4(BLM):c.164C>G (p.Ala55Gly)

Gene: BLM (BLM RecQ like helicase; plus strand). Cytogenetic location: 15q26.1.
Variant type: single nucleotide variant.
Coding change: c.164C>G on transcript NM_000057.4 (MANE Select); coding-DNA position 164, C replaced by G.
Protein change: p.Ala55Gly; replaces alanine 55 with glycine.
Molecular consequence: missense variant. On other transcripts: 5 prime UTR variant (1).
Genome position (GRCh38, 1-based): chr15:90,749,432, C>G. VCF-style: chr15-90749432-C-G. GRCh37 (hg19) VCF-style: chr15-91292662-C-G.
Other names: c.164C>G, p.Ala55Gly (NM_001287247.2, NM_001287246.2); c.-1128C>G (NM_001287248.2); c.164C>G (NM_000057.2); short protein forms A55G.
Identifiers: ClinVar variation 1059257 (VCV001059257.7), dbSNP rs1895601835, ClinGen allele CA393839527.